The following is an entry in ClinVar:

NM_000179.3(MSH6):c.320C>G (p.Pro107Arg)

Gene: MSH6 (mutS homolog 6; plus strand). Cytogenetic location: 2p16.3.
Variant type: single nucleotide variant.
Coding change: c.320C>G on transcript NM_000179.3 (MANE Select); coding-DNA position 320, C replaced by G.
Protein change: p.Pro107Arg; replaces proline 107 with arginine.
Molecular consequence: missense variant. On other transcripts: intron variant (1), 5 prime UTR variant (2).
Genome position (GRCh38, 1-based): chr2:47,790,986, C>G. VCF-style: chr2-47790986-C-G. GRCh37 (hg19) VCF-style: chr2-48018125-C-G.
Other names: c.237+7516C>G (NM_001281492.2); c.-417C>G (NM_001281493.2, NM_001406811.1, NM_001406823.1 and 1 more transcripts); c.-583C>G (NM_001281494.2); c.416C>G, p.Pro139Arg (NM_001406795.1, NM_001406802.1); c.320C>G, p.Pro107Arg (NM_001406796.1, NM_001406798.1, NM_001406800.1 and 6 more transcripts); c.23C>G, p.Pro8Arg (NM_001406797.1, NM_001406801.1, NM_001406805.1 and 10 more transcripts); c.242C>G, p.Pro81Arg (NM_001406804.1); c.-609C>G (NM_001406807.1); and 2 more; short protein forms P107R, P51R, P139R, P81R, P8R.
Identifiers: ClinVar variation 1728909 (VCV001728909.3), dbSNP rs878853732, ClinGen allele CA346736928.

ClinVar aggregate classification (germline): Uncertain significance (1 of 4 stars; one submission).

Conditions:
Hereditary cancer-predisposing syndrome. Also called: Hereditary Cancer Syndrome; Hereditary neoplastic syndrome; Neoplastic Syndromes, Hereditary; Tumor predisposition. Identifiers: Orphanet 140162, MedGen C0027672, MeSH D009386, MONDO:0015356.

Allele frequency attached by ClinVar (database versions not stated): gnomAD exomes below 0.00001.

Submission:

Ambry Genetics
Classification: Uncertain significance for Hereditary cancer-predisposing syndrome. Last evaluated: 2026-08-20. Review status: criteria provided, single submitter. Criteria: Ambry Variant Classification Scheme 2023. Collection method: clinical testing. Allele origin: germline.
Comment: The p.P107R variant (also known as c.320C>G), located in coding exon 2 of the MSH6 gene, results from a C to G substitution at nucleotide position 320. The proline at codon 107 is replaced by arginine, an amino acid with dissimilar properties. This amino acid position is highly conserved in available vertebrate species. In addition, this alteration is predicted to be deleterious by in silico analysis. Based on the available evidence, the clinical significance of this variant remains unclear.